The following is an entry in ClinVar:

NM_001042492.3(NF1):c.4339C>G (p.Gln1447Glu)

Gene: NF1 (neurofibromin 1; plus strand). Cytogenetic location: 17q11.2.
Variant type: single nucleotide variant.
Coding change: c.4339C>G on transcript NM_001042492.3 (MANE Select); coding-DNA position 4339, C replaced by G.
Protein change: p.Gln1447Glu; replaces glutamine 1447 with glutamic acid.
Molecular consequence: missense variant.
Genome position (GRCh38, 1-based): chr17:31,259,038, C>G. VCF-style: chr17-31259038-C-G. GRCh37 (hg19) VCF-style: chr17-29586056-C-G.
Other names: c.4276C>G, p.Gln1426Glu (NM_000267.4); short protein forms Q1447E, Q1426E.
Identifiers: ClinVar variation 639280 (VCV000639280.13), dbSNP rs1135402857, ClinGen allele CA398998695.

ClinVar aggregate classification (germline): Pathogenic. Review status: criteria provided, multiple submitters, no conflicts (2 of 4 stars). 5 submissions from 5 submitters: Pathogenic (5). Last evaluated 2024-06-06.

Conditions:
NF1-related disorder. Also called: NF1-related condition. Identifiers: MedGen CN379171.
Hereditary cancer-predisposing syndrome. Also called: Tumor predisposition; Neoplastic Syndromes, Hereditary; Hereditary Cancer Syndrome; Hereditary neoplastic syndrome. Identifiers: Orphanet 140162, MedGen C0027672, MeSH D009386, MONDO:0015356.
Cardiovascular phenotype. Identifiers: MedGen CN230736.
Neurofibromatosis, type 1 (NF1). Also called: Neurofibromatosis, type I; VON RECKLINGHAUSEN DISEASE; Peripheral type neurofibromatosis; NEUROFIBROMATOSIS, TYPE I, SOMATIC. Identifiers: Orphanet 636, MedGen C0027831, MONDO:0018975, OMIM 162200. Disease mechanism: loss of function.

Submissions (5):

Blueprint Genetics
Classification: Pathogenic for NF1-related disorders. Last evaluated: 2024-06-06. Review status: criteria provided, single submitter. Criteria: ACMG Guidelines, 2015. Collection method: clinical testing. Allele origin: germline. Affected: yes. Observed: 2 variant alleles.

GeneDx
Classification: Pathogenic. Last evaluated: 2024-05-19. Review status: criteria provided, single submitter. Criteria: GeneDx Variant Classification Process June 2021. Collection method: clinical testing. Allele origin: germline. Affected: yes.
Comment: Observed in individuals with NF1-related features referred for genetic testing at GeneDx and in published literature (PMID: 23913538, 31370276, 33443663); Not observed at significant frequency in large population cohorts (gnomAD); In silico analysis supports that this missense variant has a deleterious effect on protein structure/function; This variant is associated with the following publications: (PMID: 25486365, 22807134, 26969325, 30104198, 23913538, 31370276, 33443663)

Labcorp Genetics (formerly Invitae), Labcorp
Classification: Pathogenic for Neurofibromatosis, type 1. Last evaluated: 2024-05-14. Review status: criteria provided, single submitter. Criteria: Invitae Variant Classification Sherloc (09022015). Collection method: clinical testing. Allele origin: germline.
Comment: This sequence change replaces glutamine, which is neutral and polar, with glutamic acid, which is acidic and polar, at codon 1426 of the NF1 protein (p.Gln1426Glu). This variant is not present in population databases (gnomAD no frequency). This missense change has been observed in individual(s) with NF1 and clinical features of neurofibromatosis type 1 (NF1) (PMID: 23913538; Invitae). In at least one individual the variant was observed to be de novo. ClinVar contains an entry for this variant (Variation ID: 639280). Advanced modeling of protein sequence and biophysical properties (such as structural, functional, and spatial information, amino acid conservation, physicochemical variation, residue mobility, and thermodynamic stability) performed at Invitae indicates that this missense variant is expected to disrupt NF1 protein function with a positive predictive value of 95%. This variant disrupts the p.Gln1426 amino acid residue in NF1. Other variant(s) that disrupt this residue have been determined to be pathogenic (PMID: 26969325; Invitae). This suggests that this residue is clinically significant, and that variants that disrupt this residue are likely to be disease-causing. For these reasons, this variant has been classified as Pathogenic.

Quest Diagnostics Nichols Institute San Juan Capistrano
Classification: Pathogenic. Last evaluated: 2021-06-22. Review status: criteria provided, single submitter. Criteria: Quest Diagnostics criteria. Collection method: clinical testing. Allele origin: unknown.
Comment: In the published literature, this variant has been reported in individuals with Neurofibromatosis type 1 (NF1) or suspected NF1 (PMIDs: 23913538 (2013), 31370276 (2019), and 33443663 (2021)). Analysis of this variant using bioinformatics tools for the prediction of the effect of amino acid changes on protein structure and function yielded predictions that this variant is disease causing and damaging. Therefore, the variant is classified as pathogenic.

Ambry Genetics
Classification: Pathogenic for Cardiovascular phenotype; Hereditary cancer-predisposing syndrome. Last evaluated: 2021-02-16. Review status: criteria provided, single submitter. Criteria: Ambry Variant Classification Scheme 2023. Collection method: clinical testing. Allele origin: germline.
Comment: The p.Q1426E pathogenic mutation (also known as c.4276C>G), located in coding exon 32 of the NF1 gene, results from a C to G substitution at nucleotide position 4276. The glutamine at codon 1426 is replaced by glutamic acid, an amino acid with highly similar properties. This alteration has been identified in multiple individuals with a clinical diagnosis of neurofibromatosis type 1 (NF1) (Ambry internal data; Sabbagh A et al. Hum Mutat, 2013 Nov;34:1510-8; Giugliano T et al. Genes (Basel), 2019 07;10:). This variant was not reported in population-based cohorts in the Genome Aggregation Database (gnomAD). Another alteration at the same codon, p.Q1426H (c.4278G>C), has been identified in an individual with a clinical diagnosis of NF1 (Giugliano T et al. Genes (Basel), 2019 07;10:). This amino acid position is highly conserved in available vertebrate species. In addition, this alteration is predicted to be deleterious by in silico analysis. Based on the supporting evidence, this alteration is interpreted as a disease-causing mutation.

Literature cited by the submitters: PubMed 23913538 (cited by Labcorp Genetics (formerly Invitae), Labcorp and Quest Diagnostics Nichols Institute San Juan Capistrano); PubMed 26969325 (cited by Labcorp Genetics (formerly Invitae), Labcorp); PubMed 31370276 (cited by Quest Diagnostics Nichols Institute San Juan Capistrano); PubMed 33443663 (cited by Quest Diagnostics Nichols Institute San Juan Capistrano); PubMed 30104198 (cited by Quest Diagnostics Nichols Institute San Juan Capistrano).